The following is an entry in ClinVar:

ClinVar aggregate classification (germline): Benign/Likely benign. Review status: criteria provided, multiple submitters, no conflicts (2 of 4 stars). 2 submissions from 2 submitters: Benign (1); Likely benign (1). Last evaluated 2026-01-19.

Conditions:
Nemaline myopathy 6 (NEM6). Also called: Nemaline myopathy 6, autosomal dominant. Identifiers: Orphanet 171439, MedGen C1836472, MONDO:0012237, OMIM 609273.

Allele frequency attached by ClinVar (database versions not stated): gnomAD 0.00016; TOPMed 0.00031; ExAC 0.00047; 1000 Genomes Project 0.00100; 1000 Genomes Project 30x 0.00141.
gnomAD v4.1: 159 of 1,582,996 alleles (0.01%); highest among the groups gnomAD compares: East Asian, 0.32%; no homozygotes.

Submissions (2):

Labcorp Genetics (formerly Invitae), Labcorp
Classification: Benign for Nemaline myopathy 6. Last evaluated: 2026-01-19. Review status: criteria provided, single submitter. Criteria: Invitae Variant Classification Sherloc (09022015). Collection method: clinical testing. Allele origin: germline.

GeneDx
Classification: Likely benign. Last evaluated: 2017-07-28. Review status: criteria provided, single submitter. Criteria: GeneDx Variant Classification (06012015). Collection method: clinical testing. Allele origin: germline. Affected: yes.
Comment: This variant is considered likely benign or benign based on one or more of the following criteria: it is a conservative change, it occurs at a poorly conserved position in the protein, it is predicted to be benign by multiple in silico algorithms, and/or has population frequency not consistent with disease.

NM_001101362.3(KBTBD13):c.958G>T (p.Val320Leu)

Gene: KBTBD13 (kelch repeat and BTB domain containing 13; plus strand). Cytogenetic location: 15q22.31.
Variant type: single nucleotide variant.
Coding change: c.958G>T on transcript NM_001101362.3 (MANE Select); coding-DNA position 958, G replaced by T.
Protein change: p.Val320Leu; replaces valine 320 with leucine.
Molecular consequence: missense variant.
Genome position (GRCh38, 1-based): chr15:65,077,773, G>T. VCF-style: chr15-65077773-G-T. GRCh37 (hg19) VCF-style: chr15-65370111-G-T.
Other names: short protein forms V320L.
Identifiers: ClinVar variation 464363 (VCV000464363.12), dbSNP rs367648853, ClinGen allele CA7614029.
Genomic context (GRCh38, chr15:65,077,773, plus strand): 5'-TGCGCCCAGGCTTGTGGCCGTCTCTTCGTGTGCCTGTGGCGGCCGGCCGACACCACCGCC[G>T]TGGTGGAGTACGCAGTGCGGACCGACGCGTGGCTGCCAGTGGCCGAGCTGCGGCGTCCGC-3'
Protein context (NP_001094832.1, residues 310-330): CLWRPADTTA[Val320Leu]VEYAVRTDAW